The following is an entry in ClinVar:

NM_002582.4(PARN):c.1171A>G (p.Ile391Val)

Gene: PARN (poly(A)-specific ribonuclease; minus strand). Cytogenetic location: 16p13.12.
Variant type: single nucleotide variant.
Coding change: c.1171A>G on transcript NM_002582.4 (MANE Select); coding-DNA position 1171, A replaced by G.
Protein change: p.Ile391Val; replaces isoleucine 391 with valine.
Molecular consequence: missense variant.
Genome position (GRCh38, 1-based): chr16:14,582,202, T>C on the plus strand (A>G on the coding strand, the complement: PARN is on the minus strand). VCF-style: chr16-14582202-T-C. GRCh37 (hg19) VCF-style: chr16-14676059-T-C.
Other names: c.988A>G, p.Ile330Val (NM_001134477.3); c.1033A>G, p.Ile345Val (NM_001242992.2); short protein forms I345V, I391V, I330V.
Identifiers: ClinVar variation 846746 (VCV000846746.10), dbSNP rs765070513, ClinGen allele CA7912133.

ClinVar aggregate classification (germline): Uncertain significance (1 of 4 stars; one submission).

Conditions:
Dyskeratosis congenita, autosomal recessive 6 (DKCB6). Identifiers: MedGen C4225356, MONDO:0014600, OMIM 616353.
Pulmonary fibrosis and/or bone marrow failure, Telomere-related, 4. Also called: PULMONARY FIBROSIS AND/OR BONE MARROW FAILURE SYNDROME, TELOMERE-RELATED, 4. Identifiers: Orphanet 2032, MedGen C4225347, MONDO:0014612, OMIM 616371.

Allele frequency attached by ClinVar (database versions not stated): gnomAD exomes below 0.00001 and 0.00002; ExAC 0.00002; TOPMed 0.00002.
gnomAD v4.1: 6 of 1,610,306 alleles (0.00037%); highest among the groups gnomAD compares: African/African-American, 0.0067%; no homozygotes.

Submission:

Labcorp Genetics (formerly Invitae), Labcorp
Classification: Uncertain significance for Dyskeratosis congenita, autosomal recessive 6; Pulmonary fibrosis and/or bone marrow failure, Telomere-related, 4. Last evaluated: 2022-01-14. Review status: criteria provided, single submitter. Criteria: Invitae Variant Classification Sherloc (09022015). Collection method: clinical testing. Allele origin: germline.
Comment: This sequence change replaces isoleucine, which is neutral and non-polar, with valine, which is neutral and non-polar, at codon 391 of the PARN protein (p.Ile391Val). This variant is present in population databases (rs765070513, gnomAD 0.02%). In summary, the available evidence is currently insufficient to determine the role of this variant in disease. Therefore, it has been classified as a Variant of Uncertain Significance. Algorithms developed to predict the effect of missense changes on protein structure and function (SIFT, PolyPhen-2, Align-GVGD) all suggest that this variant is likely to be tolerated. ClinVar contains an entry for this variant (Variation ID: 846746). This variant has not been reported in the literature in individuals affected with PARN-related conditions.